The following is an entry in ClinVar:

ClinVar aggregate classification (germline): Uncertain significance (1 of 4 stars; one submission).

Conditions:
Hereditary cancer-predisposing syndrome. Also called: Neoplastic Syndromes, Hereditary; Tumor predisposition; Hereditary neoplastic syndrome; Hereditary Cancer Syndrome. Identifiers: Orphanet 140162, MedGen C0027672, MeSH D009386, MONDO:0015356.

Submission:

Color Diagnostics, LLC DBA Color Health
Classification: Uncertain significance for Hereditary cancer-predisposing syndrome. Last evaluated: 2023-12-05. Review status: criteria provided, single submitter. Criteria: ACMG Guidelines, 2015. Collection method: clinical testing. Allele origin: germline.
Comment: This missense variant replaces threonine with alanine at codon 787 of the PALB2 protein. Computational prediction suggests that this variant may not impact protein structure and function (internally defined REVEL score threshold <= 0.5, PMID: 27666373). To our knowledge, functional studies have not been reported for this variant. This variant has not been reported in individuals affected with PALB2-related disorders in the literature. This variant has not been identified in the general population by the Genome Aggregation Database (gnomAD). The available evidence is insufficient to determine the role of this variant in disease conclusively. Therefore, this variant is classified as a Variant of Uncertain Significance.

NM_024675.4(PALB2):c.2359A>G (p.Thr787Ala)

Gene: PALB2 (partner and localizer of BRCA2; minus strand). Cytogenetic location: 16p12.2.
Variant type: single nucleotide variant.
Coding change: c.2359A>G on transcript NM_024675.4 (MANE Select); coding-DNA position 2359, A replaced by G.
Protein change: p.Thr787Ala; replaces threonine 787 with alanine.
Molecular consequence: missense variant.
Genome position (GRCh38, 1-based): chr16:23,629,795, T>C on the plus strand (A>G on the coding strand, the complement: PALB2 is on the minus strand). VCF-style: chr16-23629795-T-C. GRCh37 (hg19) VCF-style: chr16-23641116-T-C.
Other names: short protein forms T787A.
Identifiers: ClinVar variation 629174 (VCV000629174.4), dbSNP rs1567217510, ClinGen allele CA395124786.